The following is an entry in ClinVar:

ClinVar aggregate classification (germline): Benign. Review status: criteria provided, multiple submitters, no conflicts (2 of 4 stars). 4 submissions from 4 submitters: Benign (4). Last evaluated 2026-02-02.

Conditions:
Usher syndrome type 3B. Also called: USHER SYNDROME, TYPE IIIB. Identifiers: MedGen C3281066, MONDO:0013788, OMIM 614504.

Allele frequency attached by ClinVar (database versions not stated): gnomAD exomes 0.00107; ExAC 0.00128; gnomAD 0.00398 and 0.00428; TOPMed 0.00466; 1000 Genomes Project 0.00479; ESP Exome Variant Server 0.00523; 1000 Genomes Project 30x 0.00562.
gnomAD v4.1: 1,306 of 1,585,242 alleles (0.082%); highest among the groups gnomAD compares: African/African-American, 1.6%; 7 homozygotes.

Submissions (4):

Labcorp Genetics (formerly Invitae), Labcorp
Classification: Benign for Usher syndrome type 3B. Last evaluated: 2026-02-02. Review status: criteria provided, single submitter. Criteria: Invitae Variant Classification Sherloc (09022015). Collection method: clinical testing. Allele origin: germline.

Mayo Clinic Laboratories, Mayo Clinic
Classification: Benign. Last evaluated: 2022-06-02. Review status: criteria provided, single submitter. Criteria: ACMG Guidelines, 2015. Collection method: clinical testing. Allele origin: germline. Observed: 5 variant alleles.

GeneDx
Classification: Benign. Last evaluated: 2022-04-04. Review status: criteria provided, single submitter. Criteria: GeneDx Variant Classification Process June 2021. Collection method: clinical testing. Allele origin: germline. Affected: yes.
Comment: Has not been previously published as pathogenic or benign to our knowledge

Laboratory for Molecular Medicine, Mass General Brigham Personalized Medicine
Classification: Benign. Last evaluated: 2018-08-08. Review status: criteria provided, single submitter. Criteria: LMM Criteria. Collection method: clinical testing. Allele origin: germline. Observed: 1 variant allele.
Comment: The p.Ala399Val variant in HARS is classified as benign because it has been iden tified in 1.5% (372/24022) of African chromosomes inclusing 4 homozygotes by the Genome Aggregation Database (gnomAD; dbSNP rs 34732372). ACMG/AMP Criteria applied: BA1, BP4.

NM_002109.6(HARS1):c.1196C>T (p.Ala399Val)

Gene: HARS1 (histidyl-tRNA synthetase 1; minus strand). Cytogenetic location: 5q31.3.
Variant type: single nucleotide variant.
Coding change: c.1196C>T on transcript NM_002109.6 (MANE Select); coding-DNA position 1196, C replaced by T.
Protein change: p.Ala399Val; replaces alanine 399 with valine.
Molecular consequence: missense variant.
Genome position (GRCh38, 1-based): chr5:140,675,132, G>A on the plus strand (C>T on the coding strand, the complement: HARS1 is on the minus strand). VCF-style: chr5-140675132-G-A. GRCh37 (hg19) VCF-style: chr5-140054717-G-A.
Other names: c.1076C>T, p.Ala359Val (NM_001258040.3); c.1136C>T, p.Ala379Val (NM_001258041.3); c.1016C>T, p.Ala339Val (NM_001258042.3); c.974C>T, p.Ala325Val (NM_001289092.2); c.854C>T, p.Ala285Val (NM_001289093.2); c.1109C>T, p.Ala370Val (NM_001289094.2); short protein forms A399V, A339V, A370V, A359V, A285V, A325V, A379V.
Identifiers: ClinVar variation 472988 (VCV000472988.23), dbSNP rs34732372, ClinGen allele CA3443882.